The following is an entry in ClinVar:

ClinVar aggregate classification (germline): Uncertain significance (1 of 4 stars; one submission).

Conditions:
Familial cancer of breast. Also called: BREAST CANCER, FAMILIAL; Hereditary breast cancer; hereditary breast carcinoma. Identifiers: Orphanet 227535, MedGen C0346153, MONDO:0016419, OMIM 114480. Disease mechanism: loss of function.

Submission:

Labcorp Genetics (formerly Invitae), Labcorp
Classification: Uncertain significance for Familial cancer of breast. Last evaluated: 2022-08-23. Review status: criteria provided, single submitter. Criteria: Invitae Variant Classification Sherloc (09022015). Collection method: clinical testing. Allele origin: germline.
Comment: This variant has not been reported in the literature in individuals affected with PALB2-related conditions. This variant is not present in population databases (gnomAD no frequency). This sequence change replaces proline, which is neutral and non-polar, with leucine, which is neutral and non-polar, at codon 615 of the PALB2 protein (p.Pro615Leu). ClinVar contains an entry for this variant (Variation ID: 1419690). In summary, the available evidence is currently insufficient to determine the role of this variant in disease. Therefore, it has been classified as a Variant of Uncertain Significance. Algorithms developed to predict the effect of missense changes on protein structure and function are either unavailable or do not agree on the potential impact of this missense change (SIFT: "Tolerated"; PolyPhen-2: "Probably Damaging"; Align-GVGD: "Class C0").

NM_024675.4(PALB2):c.1844C>T (p.Pro615Leu)

Gene: PALB2 (partner and localizer of BRCA2; minus strand). Cytogenetic location: 16p12.2.
Variant type: single nucleotide variant.
Coding change: c.1844C>T on transcript NM_024675.4 (MANE Select); coding-DNA position 1844, C replaced by T.
Protein change: p.Pro615Leu; replaces proline 615 with leucine.
Molecular consequence: missense variant.
Genome position (GRCh38, 1-based): chr16:23,630,310, G>A on the plus strand (C>T on the coding strand, the complement: PALB2 is on the minus strand). VCF-style: chr16-23630310-G-A. GRCh37 (hg19) VCF-style: chr16-23641631-G-A.
Other names: short protein forms P615L.
Identifiers: ClinVar variation 1419690 (VCV001419690.7), dbSNP rs2142387910, ClinGen allele CA395127833.